The following is an entry in ClinVar:

ClinVar aggregate classification (germline): Uncertain significance (1 of 4 stars; one submission).

Conditions:
Familial cancer of breast. Also called: Hereditary breast cancer; BREAST CANCER, FAMILIAL; hereditary breast carcinoma. Identifiers: Orphanet 227535, MedGen C0346153, MONDO:0016419, OMIM 114480. Disease mechanism: loss of function.

Submission:

Labcorp Genetics (formerly Invitae), Labcorp
Classification: Uncertain significance for Familial cancer of breast. Last evaluated: 2020-07-15. Review status: criteria provided, single submitter. Criteria: Invitae Variant Classification Sherloc (09022015). Collection method: clinical testing. Allele origin: germline.
Comment: In summary, the available evidence is currently insufficient to determine the role of this variant in disease. Therefore, it has been classified as a Variant of Uncertain Significance. Algorithms developed to predict the effect of missense changes on protein structure and function (SIFT, PolyPhen-2, Align-GVGD) all suggest that this variant is likely to be disruptive, but these predictions have not been confirmed by published functional studies and their clinical significance is uncertain. This variant has not been reported in the literature in individuals with CHEK2-related conditions. This variant is not present in population databases (ExAC no frequency). This sequence change replaces threonine with proline at codon 168 of the CHEK2 protein (p.Thr168Pro). The threonine residue is highly conserved and there is a small physicochemical difference between threonine and proline.

NM_007194.4(CHEK2):c.502A>C (p.Thr168Pro)

Gene: CHEK2 (checkpoint kinase 2; minus strand). Cytogenetic location: 22q12.1.
Variant type: single nucleotide variant.
Coding change: c.502A>C on transcript NM_007194.4 (MANE Select); coding-DNA position 502, A replaced by C.
Protein change: p.Thr168Pro; replaces threonine 168 with proline.
Molecular consequence: missense variant. On other transcripts: 5 prime UTR variant (2), intron variant (1).
Genome position (GRCh38, 1-based): chr22:28,725,067, T>G on the plus strand (A>C on the coding strand, the complement: CHEK2 is on the minus strand). VCF-style: chr22-28725067-T-G. GRCh37 (hg19) VCF-style: chr22-29121055-T-G.
Other names: c.631A>C, p.Thr211Pro (NM_001005735.3, NM_001438294.1); c.-276A>C (NM_001257387.3); c.-162A>C (NM_001437942.1); c.595A>C, p.Thr199Pro (NM_001438293.1, NM_001438295.1); c.502A>C, p.Thr168Pro (NM_145862.3); c.445-144A>C (NM_001349956.3); short protein forms T168P, T211P, T199P.
Identifiers: ClinVar variation 1016742 (VCV001016742.9), dbSNP rs1601823689, ClinGen allele CA411107454.